The following is an entry in ClinVar:

NM_000787.4(DBH):c.807C>T (p.Cys269=)

Gene: DBH (dopamine beta-hydroxylase; plus strand). Cytogenetic location: 9q34.2.
Variant type: single nucleotide variant.
Coding change: c.807C>T on transcript NM_000787.4 (MANE Select); coding-DNA position 807, C replaced by T.
Protein change: p.Cys269=; no amino-acid change (cysteine 269 retained).
Molecular consequence: synonymous variant.
Genome position (GRCh38, 1-based): chr9:133,643,475, C>T. VCF-style: chr9-133643475-C-T. GRCh37 (hg19) VCF-style: chr9-136508597-C-T.
Identifiers: ClinVar variation 365647 (VCV000365647.31), dbSNP rs141816448, ClinGen allele CA5313201.

ClinVar aggregate classification (germline): Conflicting classifications of pathogenicity. Review status: criteria provided, conflicting classifications (1 of 4 stars). 5 submissions from 5 submitters: Uncertain significance (1); Likely benign (3). 1 of the submissions does not count toward it. Last evaluated 2025-11-23.

Conditions:
Orthostatic hypotension 1 (ORTHYP1). Also called: Dopamine beta-hydroxylase deficiency; NORADRENALINE DEFICIENCY; NOREPINEPHRINE DEFICIENCY; Orthostatic hypotension 1, due to DBH deficiency. Identifiers: Orphanet 230, MedGen C4746777, MONDO:0009123, OMIM 223360.
DBH-related disorder. Also called: DBH-related condition.

Allele frequency attached by ClinVar (database versions not stated): ESP Exome Variant Server 0.00031; 1000 Genomes Project 30x 0.00047; gnomAD 0.00050 and 0.00052; ExAC 0.00053; gnomAD exomes 0.00058; 1000 Genomes Project 0.00060; TOPMed 0.00064.

Submissions (5):

Labcorp Genetics (formerly Invitae), Labcorp
Classification: Likely benign for Orthostatic hypotension 1. Last evaluated: 2025-11-23. Review status: criteria provided, single submitter. Criteria: Invitae Variant Classification Sherloc (09022015). Collection method: clinical testing. Allele origin: germline.

CeGaT Center for Human Genetics Tuebingen
Classification: Likely benign. Last evaluated: 2025-05-01. Review status: criteria provided, single submitter. Criteria: CeGaT Center For Human Genetics Tuebingen Variant Classification Criteria Version 2. Collection method: clinical testing. Allele origin: germline. Affected: yes. Observed: 2 variant alleles.
Comment: DBH: BP4, BP7

Blueprint Genetics
Classification: Likely benign. Last evaluated: 2024-11-19. Review status: criteria provided, single submitter. Criteria: ACMG Guidelines, 2015. Collection method: clinical testing. Allele origin: germline.

Illumina Laboratory Services, Illumina
Classification: Uncertain significance for Orthostatic hypotension 1. Last evaluated: 2018-01-13. Review status: criteria provided, single submitter. Criteria: ICSL Variant Classification Criteria 13 December 2019. Collection method: clinical testing. Allele origin: germline.

PreventionGenetics, part of Exact Sciences
Classification: Likely benign for DBH-related condition. Last evaluated: 2023-04-05. Review status: no assertion criteria provided. Collection method: clinical testing. Allele origin: germline. Not counted in ClinVar's aggregate classification.
Comment: This variant is classified as likely benign based on ACMG/AMP sequence variant interpretation guidelines (Richards et al. 2015 PMID: 25741868, with internal and published modifications).